The following is an entry in ClinVar:

ClinVar aggregate classification (germline): Likely benign. Review status: criteria provided, multiple submitters, no conflicts (2 of 4 stars). 3 submissions from 3 submitters: Likely benign (3). Last evaluated 2026-09-01.

Allele frequency attached by ClinVar (database versions not stated): ExAC 0.00003; gnomAD 0.00004; gnomAD exomes 0.00004; TOPMed 0.00005.
gnomAD v4.1: 30 of 1,614,098 alleles (0.0019%); highest among the groups gnomAD compares: East Asian, 0.033%; no homozygotes.

Submissions (3):

CeGaT Center for Human Genetics Tuebingen
Classification: Likely benign. Last evaluated: 2026-09-01. Review status: criteria provided, single submitter. Criteria: CeGaT Center For Human Genetics Tuebingen Variant Classification Criteria Version 2. Collection method: clinical testing. Allele origin: germline. Affected: yes. Observed: 1 variant allele.
Comment: INSR: BP4, BP7

Labcorp Genetics (formerly Invitae), Labcorp
Classification: Likely benign. Last evaluated: 2026-01-14. Review status: criteria provided, single submitter. Criteria: Invitae Variant Classification Sherloc (09022015). Collection method: clinical testing. Allele origin: germline.

Blueprint Genetics
Classification: Likely benign. Last evaluated: 2024-10-15. Review status: criteria provided, single submitter. Criteria: ACMG Guidelines, 2015. Collection method: clinical testing. Allele origin: germline.

NM_000208.4(INSR):c.1671G>A (p.Thr557=)

Gene: INSR (insulin receptor; minus strand). Cytogenetic location: 19p13.2.
Variant type: single nucleotide variant.
Coding change: c.1671G>A on transcript NM_000208.4 (MANE Select); coding-DNA position 1671, G replaced by A.
Protein change: p.Thr557=; no amino-acid change (threonine 557 retained).
Molecular consequence: synonymous variant.
Genome position (GRCh38, 1-based): chr19:7,166,344, C>T on the plus strand (G>A on the coding strand, the complement: INSR is on the minus strand). VCF-style: chr19-7166344-C-T. GRCh37 (hg19) VCF-style: chr19-7166355-C-T.
Other names: c.1671G>A, p.Thr557= (NM_001079817.3).
Identifiers: ClinVar variation 714005 (VCV000714005.7), dbSNP rs752643772, ClinGen allele CA9135767.
Genomic context (GRCh38, chr19:7,166,344, plus strand): 5'-CCCTGGGTGGTTCTGTGATTTGGGGTCGTTGGACCTCAGGGGTGGGTCAATGTCTACCAC[C>T]GTCCAACTGTTGGAACCACACGCATCCTGCCCGTCGAACTCCGTCACATTCTGATAAGGG-3'
Protein context (NP_000199.2, residues 547-567): GQDACGSNSW[Thr557=]VVDIDPPLRS